The following is an entry in ClinVar:

NM_000834.5(GRIN2B):c.2537T>G (p.Phe846Cys)

Gene: GRIN2B (glutamate ionotropic receptor NMDA type subunit 2B; minus strand). Cytogenetic location: 12p13.1.
Variant type: single nucleotide variant.
Coding change: c.2537T>G on transcript NM_000834.5 (MANE Select); coding-DNA position 2537, T replaced by G.
Protein change: p.Phe846Cys; replaces phenylalanine 846 with cysteine.
Molecular consequence: missense variant.
Genome position (GRCh38, 1-based): chr12:13,567,086, A>C on the plus strand (T>G on the coding strand, the complement: GRIN2B is on the minus strand). VCF-style: chr12-13567086-A-C. GRCh37 (hg19) VCF-style: chr12-13720020-A-C.
Other names: c.2537T>G, p.Phe846Cys (NM_001413992.1); short protein forms F846C.
Identifiers: ClinVar variation 3763774 (VCV003763774.2).

ClinVar aggregate classification (germline): Uncertain significance (1 of 4 stars; one submission).

Conditions:
Developmental and epileptic encephalopathy, 27 (DEE27). Also called: Epileptic encephalopathy, early infantile, 27; GRIN2B-Related Neurodevelopmental Disorder. Identifiers: Orphanet 3451, MedGen C4015316, MONDO:0014505, OMIM 616139.
Intellectual developmental disorder, autosomal dominant 6, with or without seizures. Also called: Intellectual disability, autosomal dominant 6; GRIN2B-related developmental delay, intellectual disability and autism spectrum disorder. Identifiers: Orphanet 589547, MedGen C3151411, MONDO:0013509, OMIM 613970.

gnomAD v4.1: 6 of 1,614,226 alleles (0.00037%); highest among the groups gnomAD compares: Non-Finnish European, 0.00051%; no homozygotes.

Submission:

Labcorp Genetics (formerly Invitae), Labcorp
Classification: Uncertain significance for Developmental and epileptic encephalopathy, 27; Intellectual developmental disorder, autosomal dominant 6, with or without seizures. Last evaluated: 2024-08-20. Review status: criteria provided, single submitter. Criteria: Invitae Variant Classification Sherloc (09022015). Collection method: clinical testing. Allele origin: germline.
Comment: This sequence change replaces phenylalanine, which is neutral and non-polar, with cysteine, which is neutral and slightly polar, at codon 846 of the GRIN2B protein (p.Phe846Cys). This variant is not present in population databases (gnomAD no frequency). This missense change has been observed in individual(s) with polymicrogyria (PMID: 37486637). Invitae Evidence Modeling of protein sequence and biophysical properties (such as structural, functional, and spatial information, amino acid conservation, physicochemical variation, residue mobility, and thermodynamic stability) indicates that this missense variant is not expected to disrupt GRIN2B protein function with a negative predictive value of 95%. In summary, the available evidence is currently insufficient to determine the role of this variant in disease. Therefore, it has been classified as a Variant of Uncertain Significance.

Literature cited by the submitters: PubMed 37486637.